The following is an entry in ClinVar:

NM_015272.5(RPGRIP1L):c.980T>G (p.Leu327Arg)

Gene: RPGRIP1L (RPGRIP1 like; minus strand). Cytogenetic location: 16q12.2.
Variant type: single nucleotide variant.
Coding change: c.980T>G on transcript NM_015272.5 (MANE Select); coding-DNA position 980, T replaced by G.
Protein change: p.Leu327Arg; replaces leucine 327 with arginine.
Molecular consequence: missense variant.
Genome position (GRCh38, 1-based): chr16:53,672,919, A>C on the plus strand (T>G on the coding strand, the complement: RPGRIP1L is on the minus strand). VCF-style: chr16-53672919-A-C. GRCh37 (hg19) VCF-style: chr16-53706831-A-C.
Other names: c.980T>G, p.Leu327Arg (NM_001127897.4, NM_001308334.3, NM_001330538.2); c.980T>G (NM_015272.4); short protein forms L327R.
Identifiers: ClinVar variation 2923374 (VCV002923374.4), dbSNP rs776680083, ClinGen allele CA8057965.

ClinVar aggregate classification (germline): Uncertain significance. Review status: criteria provided, single submitter (1 of 4 stars). 2 submissions from 2 submitters: Uncertain significance (1). 1 of the submissions does not count toward it. Last evaluated 2023-12-21.

Conditions:
Joubert syndrome. Also called: CEREBELLOPARENCHYMAL DISORDER IV; JOUBERT-BOLTSHAUSER SYNDROME; Familial aplasia of the vermis. Identifiers: Orphanet 475, MedGen C5979921, MONDO:0018772.
Meckel-Gruber syndrome. Also called: DYSENCEPHALIA SPLANCHNOCYSTICA; GRUBER SYNDROME; Dysencephalia splachnocystica. Identifiers: Orphanet 564, MedGen C0265215, MONDO:0018921.

Allele frequency attached by ClinVar (database versions not stated): gnomAD exomes below 0.00001; ExAC 0.00001; gnomAD 0.00001.
gnomAD v4.1: 2 of 1,613,114 alleles (0.00012%); highest among the groups gnomAD compares: Admixed American, 0.0033%; no homozygotes.

Submissions (2):

Labcorp Genetics (formerly Invitae), Labcorp
Classification: Uncertain significance for Joubert syndrome; Meckel-Gruber syndrome. Last evaluated: 2023-12-21. Review status: criteria provided, single submitter. Criteria: Invitae Variant Classification Sherloc (09022015). Collection method: clinical testing. Allele origin: germline.
Comment: This sequence change replaces leucine, which is neutral and non-polar, with arginine, which is basic and polar, at codon 327 of the RPGRIP1L protein (p.Leu327Arg). This variant is present in population databases (rs776680083, gnomAD 0.006%). This variant has not been reported in the literature in individuals affected with RPGRIP1L-related conditions. Advanced modeling of protein sequence and biophysical properties (such as structural, functional, and spatial information, amino acid conservation, physicochemical variation, residue mobility, and thermodynamic stability) performed at Invitae indicates that this missense variant is expected to disrupt RPGRIP1L protein function with a positive predictive value of 80%. In summary, the available evidence is currently insufficient to determine the role of this variant in disease. Therefore, it has been classified as a Variant of Uncertain Significance.

Natera, Inc.
Classification: Uncertain significance for Joubert syndrome. Last evaluated: 2025-05-21. Review status: no assertion criteria provided. Collection method: clinical testing. Allele origin: germline. Not counted in ClinVar's aggregate classification.